The following is an entry in ClinVar:

NM_000297.4(PKD2):c.967C>T (p.Gln323Ter)

Gene: PKD2 (polycystin 2, transient receptor potential cation channel; plus strand). Cytogenetic location: 4q22.1.
Variant type: single nucleotide variant.
Coding change: c.967C>T on transcript NM_000297.4 (MANE Select); coding-DNA position 967, C replaced by T.
Protein change: p.Gln323Ter; replaces glutamine 323 with a stop codon.
Molecular consequence: nonsense. On other transcripts: non-coding transcript variant (1).
Genome position (GRCh38, 1-based): chr4:88,038,374, C>T. VCF-style: chr4-88038374-C-T. GRCh37 (hg19) VCF-style: chr4-88959526-C-T.
Other names: short protein forms Q323*.
Identifiers: ClinVar variation 3780419 (VCV003780419.2).

ClinVar aggregate classification (germline): Pathogenic. Review status: criteria provided, multiple submitters, no conflicts (2 of 4 stars). 2 submissions from 2 submitters: Pathogenic (2). Last evaluated 2025-07-23.

Conditions:
Polycystic kidney disease 2 (PKD2). Also called: POLYCYSTIC KIDNEY DISEASE 2 WITH OR WITHOUT POLYCYSTIC LIVER DISEASE; POLYCYSTIC KIDNEY DISEASE, ADULT, TYPE II; Polycystic Kidney Disease 2, Autosomal Dominant. Identifiers: MedGen C2751306, MONDO:0013131, OMIM 613095.

Submissions (2):

Women's Health and Genetics/Laboratory Corporation of America, LabCorp
Classification: Pathogenic for Polycystic kidney disease 2. Last evaluated: 2025-07-23. Review status: criteria provided, single submitter. Criteria: LabCorp Variant Classification Summary - May 2015. Collection method: clinical testing. Allele origin: germline.
Comment: Variant summary: PKD2 c.967C>T (p.Gln323X) results in a premature termination codon, predicted to cause a truncation of the encoded protein or absence of the protein due to nonsense mediated decay, which are commonly known mechanisms for disease. The variant was absent in 251138 control chromosomes. To our knowledge, no occurrence of c.967C>T in individuals affected with Polycystic Kidney Disease 2 and no experimental evidence demonstrating its impact on protein function have been reported. ClinVar contains an entry for this variant (Variation ID: 3780419). Based on the evidence outlined above, the variant was classified as pathogenic.

Department of Pathology and Laboratory Medicine, Sinai Health System
Classification: Pathogenic for Polycystic kidney disease 2. Last evaluated: 2019-12-06. Review status: criteria provided, single submitter. Criteria: ACMG Guidelines, 2015. Collection method: clinical testing. Allele origin: germline. Affected: yes.